The following is an entry in ClinVar:

ClinVar aggregate classification (germline): Uncertain significance (1 of 4 stars; one submission).

Conditions:
Amyotrophic lateral sclerosis type 21. Also called: VOCAL CORD AND PHARYNGEAL DYSFUNCTION WITH DISTAL MYOPATHY; MYOPATHY, DISTAL, 2. Identifiers: Orphanet 600, Orphanet 803, MedGen C3807521, MONDO:0011632, OMIM 606070.

Submission:

Labcorp Genetics (formerly Invitae), Labcorp
Classification: Uncertain significance for Amyotrophic lateral sclerosis type 21. Last evaluated: 2025-10-22. Review status: criteria provided, single submitter. Criteria: Invitae Variant Classification Sherloc (09022015). Collection method: clinical testing. Allele origin: germline.
Comment: This sequence change replaces alanine, which is neutral and non-polar, with valine, which is neutral and non-polar, at codon 708 of the MATR3 protein (p.Ala708Val). This variant is not present in population databases (gnomAD no frequency). This variant has not been reported in the literature in individuals affected with MATR3-related conditions. Invitae Evidence Modeling of protein sequence and biophysical properties (such as structural, functional, and spatial information, amino acid conservation, physicochemical variation, residue mobility, and thermodynamic stability) indicates that this missense variant is not expected to disrupt MATR3 protein function with a negative predictive value of 80%. In summary, the available evidence is currently insufficient to determine the role of this variant in disease. Therefore, it has been classified as a Variant of Uncertain Significance.

NM_018834.6(MATR3):c.2123C>T (p.Ala708Val)

Genes: MATR3 (matrin 3; plus strand), LOC126807526 (CDK7 strongly-dependent group 2 enhancer GRCh37_chr5:138657767-138658966; plus strand). Cytogenetic location: 5q31.2.
Variant type: single nucleotide variant.
Coding change: c.2123C>T on transcript NM_018834.6 (MANE Select); coding-DNA position 2123, C replaced by T.
Protein change: p.Ala708Val; replaces alanine 708 with valine.
Molecular consequence: missense variant.
Genome position (GRCh38, 1-based): chr5:139,322,942, C>T. VCF-style: chr5-139322942-C-T. GRCh37 (hg19) VCF-style: chr5-138658631-C-T.
Other names: c.2123C>T, p.Ala708Val (NM_001194954.2, NM_001194955.2, NM_001400441.1 and 16 more transcripts); c.1259C>T, p.Ala420Val (NM_001194956.2); c.1109C>T, p.Ala370Val (NM_001282278.2, NM_001400460.1, NM_001400462.1 and 5 more transcripts); c.1262C>T, p.Ala421Val (NM_001400459.1); c.1223C>T, p.Ala408Val (NM_001400461.1); short protein forms A370V, A408V, A420V, A421V, A708V.
Identifiers: ClinVar variation 4807864 (VCV004807864.1).